The following is an entry in ClinVar:

ClinVar aggregate classification (germline): Conflicting classifications of pathogenicity. Review status: criteria provided, conflicting classifications (1 of 4 stars). 4 submissions from 4 submitters: Uncertain significance (2); Likely benign (1). 1 of the submissions does not count toward it. Last evaluated 2024-08-26.

Conditions:
Inborn genetic diseases. Identifiers: MedGen C0950123, MeSH D030342.
Severe X-linked myotubular myopathy (CNMX). Also called: X-linked centronuclear myopathy; MYOTUBULAR MYOPATHY 1; Myotubular myopathy, X-linked. Identifiers: Orphanet 596, MedGen C0410203, MONDO:0010683, OMIM 310400.

Allele frequency attached by ClinVar (database versions not stated): gnomAD 0.00002; gnomAD exomes 0.00002 and 0.00005; TOPMed 0.00002; ExAC 0.00007; 1000 Genomes Project 30x 0.00042; 1000 Genomes Project 0.00053.
gnomAD v4.1: 22 of 1,194,034 alleles (0.0018%); highest among the groups gnomAD compares: East Asian, 0.018%; no homozygotes.

Submissions (4):

Labcorp Genetics (formerly Invitae), Labcorp
Classification: Likely benign for Severe X-linked myotubular myopathy. Last evaluated: 2024-08-26. Review status: criteria provided, single submitter. Criteria: Invitae Variant Classification Sherloc (09022015). Collection method: clinical testing. Allele origin: germline.

Ambry Genetics
Classification: Uncertain significance for Inborn genetic diseases. Last evaluated: 2022-07-08. Review status: criteria provided, single submitter. Criteria: Ambry Variant Classification Scheme 2023. Collection method: clinical testing. Allele origin: germline.

GeneDx
Classification: Uncertain significance. Last evaluated: 2020-06-26. Review status: criteria provided, single submitter. Criteria: GeneDx Variant Classification Process June 2021. Collection method: clinical testing. Allele origin: germline. Affected: yes.
Comment: In silico analysis supports that this missense variant has a deleterious effect on protein structure/function; Has not been previously published as pathogenic or benign to our knowledge; In-silico analysis is inconclusive as to whether the variant alters gene splicing. In the absence of RNA/functional studies, the actual effect of this sequence change is unknown.

Natera, Inc.
Classification: Likely benign for Severe X-linked myotubular myopathy. Last evaluated: 2020-09-16. Review status: no assertion criteria provided. Collection method: clinical testing. Allele origin: germline. Not counted in ClinVar's aggregate classification.

NM_000252.3(MTM1):c.1376A>G (p.Asn459Ser)

Gene: MTM1 (myotubularin 1; plus strand). Cytogenetic location: Xq28.
Variant type: single nucleotide variant.
Coding change: c.1376A>G on transcript NM_000252.3 (MANE Select); coding-DNA position 1376, A replaced by G.
Protein change: p.Asn459Ser; replaces asparagine 459 with serine.
Molecular consequence: missense variant.
Genome position (GRCh38, 1-based): chrX:150,660,393, A>G. VCF-style: chrX-150660393-A-G. GRCh37 (hg19) VCF-style: chrX-149828866-A-G.
Other names: c.1376A>G, p.Asn459Ser (NM_001376906.1, NM_001376908.1); c.1265A>G, p.Asn422Ser (NM_001376907.1); short protein forms N422S, N459S.
Identifiers: ClinVar variation 744143 (VCV000744143.16), dbSNP rs587783785, ClinGen allele CA10539254.